The following is an entry in ClinVar:

ClinVar aggregate classification (germline): Pathogenic (1 of 4 stars; one submission).

Conditions:
O'Donnell-Luria-Rodan syndrome (ODLURO). Also called: KMT2E-Related Neurodevelopmental Disorder. Identifiers: MedGen C5193138, MONDO:0032793, OMIM 618512.

Submission:

University of Washington Department of Laboratory Medicine, University of Washington
Classification: Pathogenic for O'Donnell-Luria-Rodan syndrome. Last evaluated: 2021-10-12. Review status: criteria provided, single submitter. Criteria: ACMG Guidelines, 2015. Collection method: clinical testing. Allele origin: de novo. Affected: yes.
Comment: It was absent from large population databases, including the Genome Aggregation Database. This variant leads to a premature stop codon in exon 22 of 26 exons and is predicted to undergo nonsense-mediated decay resulting in a truncated or absent protein. These predictions have not been tested directly. Heterozygous loss of function leading to haploinsufficiency of the KMT2E gene is an established mechanism of disease. Using ACMG guidelines, this variant was classified as pathogenic for autosomal dominant O'Donnell-Luria-Rodan syndrome (ACMG evidence codes used: PVS1, PS2_moderate, PM2_supporting).

NM_182931.3(KMT2E):c.3486C>G (p.Tyr1162Ter)

Gene: KMT2E (lysine methyltransferase 2E (inactive); plus strand). Cytogenetic location: 7q22.3.
Variant type: single nucleotide variant.
Coding change: c.3486C>G on transcript NM_182931.3 (MANE Select); coding-DNA position 3486, C replaced by G.
Protein change: p.Tyr1162Ter; replaces tyrosine 1162 with a stop codon.
Molecular consequence: nonsense.
Genome position (GRCh38, 1-based): chr7:105,108,959, C>G. VCF-style: chr7-105108959-C-G. GRCh37 (hg19) VCF-style: chr7-104749406-C-G.
Other names: c.3486C>G, p.Tyr1162Ter (NM_001410908.1, NM_018682.4); c.3486C>G (NM_018682.3); short protein forms Y1162*.
Identifiers: ClinVar variation 3777156 (VCV003777156.1).